The following is an entry in ClinVar:

ClinVar aggregate classification (germline): Likely pathogenic (1 of 4 stars; one submission).

Conditions:
Intellectual developmental disorder, X-linked 1. Also called: Intellectual disability, X-linked 1; Atkin Flaitz Patil Smith syndrome; MENTAL RETARDATION, X-LINKED 18; MENTAL RETARDATION, X-LINKED 78. Identifiers: Orphanet 777, MedGen C2931498, MONDO:0010656, OMIM 309530.

Submission:

3billion
Classification: Likely pathogenic for Intellectual developmental disorder, X-linked 1. Last evaluated: 2023-02-23. Review status: criteria provided, single submitter. Criteria: ACMG Guidelines, 2015. Collection method: clinical testing. Allele origin: unknown. Affected: yes.
Comment: The variant is not observed in the gnomAD v2.1.1 dataset. This variant was predicted to result in a loss or disruption of normal protein function through nonsense-mediated decay (NMD) or protein truncation. Multiple pathogenic variants are reported downstream of the variant. Therefore, this variant is classified as Likely pathogenic according to the recommendation of ACMG/AMP guideline.

NM_001111125.3(IQSEC2):c.2551C>T (p.Gln851Ter)

Gene: IQSEC2 (IQ motif and Sec7 domain ArfGEF 2; minus strand). Cytogenetic location: Xp11.22.
Variant type: single nucleotide variant.
Coding change: c.2551C>T on transcript NM_001111125.3 (MANE Select); coding-DNA position 2551, C replaced by T.
Protein change: p.Gln851Ter; replaces glutamine 851 with a stop codon.
Molecular consequence: nonsense.
Genome position (GRCh38, 1-based): chrX:53,248,145, G>A on the plus strand (C>T on the coding strand, the complement: IQSEC2 is on the minus strand). VCF-style: chrX-53248145-G-A. GRCh37 (hg19) VCF-style: chrX-53277327-G-A.
Other names: c.2551C>T, p.Gln851Ter (NM_001410736.1); c.1936C>T, p.Gln646Ter (NM_015075.2); short protein forms Q646*, Q851*.
Identifiers: ClinVar variation 2444159 (VCV002444159.1), dbSNP rs2519780481, ClinGen allele CA413156932.
Genomic context (GRCh38, chrX:53,248,145, plus strand): 5'-GCAGCTTCGCGAGTGGGAGGTAGGCACACCTGAAGGCTTCGATGAGTCGCTCCACTTTCT[G>A]GGCCTCACCCTGAACCCGGATATGGGACTGGAACTTCCGGAGCGCATCATCCAGATCCAT-3'